The following is an entry in ClinVar:

NM_004247.4(EFTUD2):c.1907A>C (p.Tyr636Ser)

Gene: EFTUD2 (elongation factor Tu GTP binding domain containing 2; minus strand). Cytogenetic location: 17q21.31.
Variant type: single nucleotide variant.
Coding change: c.1907A>C on transcript NM_004247.4 (MANE Select); coding-DNA position 1907, A replaced by C.
Protein change: p.Tyr636Ser; replaces tyrosine 636 with serine.
Molecular consequence: missense variant.
Genome position (GRCh38, 1-based): chr17:44,859,135, T>G on the plus strand (A>C on the coding strand, the complement: EFTUD2 is on the minus strand). VCF-style: chr17-44859135-T-G. GRCh37 (hg19) VCF-style: chr17-42936503-T-G.
Other names: c.1802A>C, p.Tyr601Ser (NM_001142605.2); c.1907A>C, p.Tyr636Ser (NM_001258353.2); c.1877A>C, p.Tyr626Ser (NM_001258354.2); c.1907A>C (NM_004247.3); short protein forms Y601S, Y626S, Y636S.
Identifiers: ClinVar variation 1525714 (VCV001525714.7), dbSNP rs945261338, ClinGen allele CA290988116.
Genomic context (GRCh38, chr17:44,859,135, plus strand): 5'-TGTACCTTGATGTCTATCTCTGAGTACATCTTCCGCAAATCATGCATCACACAGTCCAGG[T>G]AGAGCTCCCCAGTGCCCAGGATCACATGCTCGCCAGACTCCTCCACCTGAAACACAACAG-3'
Protein context (NP_004238.3, residues 626-646): EHVILGTGEL[Tyr636Ser]LDCVMHDLRK

ClinVar aggregate classification (germline): Uncertain significance. Review status: criteria provided, multiple submitters, no conflicts (2 of 4 stars). 2 submissions from 2 submitters: Uncertain significance (2). Last evaluated 2025-08-09.

Conditions:
Inborn genetic diseases. Identifiers: MedGen C0950123, MeSH D030342.

Allele frequency attached by ClinVar (database versions not stated): gnomAD exomes below 0.00001; gnomAD 0.00005; TOPMed 0.00007.
gnomAD v4.1: 12 of 1,613,998 alleles (0.00074%); highest among the groups gnomAD compares: African/African-American, 0.016%; no homozygotes.

Submissions (2):

Ambry Genetics
Classification: Uncertain significance for Inborn genetic diseases. Last evaluated: 2025-08-09. Review status: criteria provided, single submitter. Criteria: Ambry Variant Classification Scheme 2023. Collection method: clinical testing. Allele origin: germline.

Labcorp Genetics (formerly Invitae), Labcorp
Classification: Uncertain significance. Last evaluated: 2024-02-16. Review status: criteria provided, single submitter. Criteria: Invitae Variant Classification Sherloc (09022015). Collection method: clinical testing. Allele origin: germline.
Comment: This sequence change replaces tyrosine, which is neutral and polar, with serine, which is neutral and polar, at codon 636 of the EFTUD2 protein (p.Tyr636Ser). This variant is present in population databases (no rsID available, gnomAD 0.007%). This variant has not been reported in the literature in individuals affected with EFTUD2-related conditions. ClinVar contains an entry for this variant (Variation ID: 1525714). Advanced modeling of protein sequence and biophysical properties (such as structural, functional, and spatial information, amino acid conservation, physicochemical variation, residue mobility, and thermodynamic stability) performed at Invitae indicates that this missense variant is expected to disrupt EFTUD2 protein function with a positive predictive value of 80%. In summary, the available evidence is currently insufficient to determine the role of this variant in disease. Therefore, it has been classified as a Variant of Uncertain Significance.